The following is an entry in ClinVar:

ClinVar aggregate classification (germline): Uncertain significance (1 of 4 stars; one submission).

Conditions:
Leber congenital amaurosis (LCA). Also called: Leber's amaurosis. Identifiers: Orphanet 65, MedGen C0339527, MeSH D057130, MONDO:0018998.

Submission:

DNA-diagnostics Laboratory, Research Centre For Medical Genetics
Classification: Uncertain significance for Leber congenital amaurosis. Review status: criteria provided, single submitter. Criteria: ACMG Guidelines, 2015. Collection method: clinical testing. Allele origin: germline. Affected: yes. Observed: 1 heterozygote.
Comment: The c.707_708delinsC variant causes a frameshift starting with codon Glutamine 236, changes this amino acid to an Proline residue, and creates a premature Stop codon at position 27 of the new reading frame, denoted p.Gln236Profs*27. It is expected to result in an absent or disrupted protein product. Loss-of-function variants in RHO are known to be pathogenic (PMID: 1303237, 21174529).This variant is not present in population databases (gnomAD no frequency). Segregation analysis was not performed. Therefore, it has been classified as a Variant of Uncertain Significance.

NM_000539.3(RHO):c.707_708delinsC (p.Gln236fs)

Gene: RHO (rhodopsin; plus strand). Cytogenetic location: 3q22.1.
Variant type: Indel.
Coding change: c.707_708delinsC on transcript NM_000539.3 (MANE Select); coding-DNA positions 707 to 708, AG replaced by C.
Protein change: p.Gln236fs; shifts the reading frame from glutamine 236.
Molecular consequence: frameshift variant.
Genome position (GRCh38, 1-based): chr3:129,532,543-129,532,544, AG replaced by C. VCF-style: chr3-129532543-AG-C. GRCh37 (hg19) VCF-style: chr3-129251386-AG-C.
Other names: short protein forms Q236fs.
Identifiers: ClinVar variation 4075839 (VCV004075839.1).
Genomic context (GRCh38, chr3:129,532,543, plus strand): 5'-CCTGCTCCCTGGAGGAGCCATGGTCTGGACCCGGGTCCCGTGTCCTGCAGGCCGCTGCCC[AG>C]CAGCAGGAGTCAGCCACCACACAGAAGGCAGAGAAGGAGGTCACCCGCATGGTCATCATC-3'